The following is an entry in ClinVar:

NM_006012.4(CLPP):c.39G>A (p.Ala13=)

Gene: CLPP (caseinolytic mitochondrial matrix peptidase proteolytic subunit; plus strand). Cytogenetic location: 19p13.3.
Variant type: single nucleotide variant.
Coding change: c.39G>A on transcript NM_006012.4 (MANE Select); coding-DNA position 39, G replaced by A.
Protein change: p.Ala13=; no amino-acid change (alanine 13 retained).
Molecular consequence: synonymous variant.
Genome position (GRCh38, 1-based): chr19:6,361,613, G>A. VCF-style: chr19-6361613-G-A. GRCh37 (hg19) VCF-style: chr19-6361624-G-A.
Identifiers: ClinVar variation 1120114 (VCV001120114.12), dbSNP rs779446991, ClinGen allele CA9122773.

ClinVar aggregate classification (germline): Likely benign. Review status: criteria provided, multiple submitters, no conflicts (2 of 4 stars). 2 submissions from 2 submitters: Likely benign (2). Last evaluated 2024-07-24.

Allele frequency attached by ClinVar (database versions not stated): gnomAD exomes 0.00002 and 0.00012; ExAC 0.00038.
gnomAD v4.1: 8 of 1,418,340 alleles (0.00056%); highest among the groups gnomAD compares: Admixed American, 0.021%; no homozygotes.

Submissions (2):

Labcorp Genetics (formerly Invitae), Labcorp
Classification: Likely benign. Last evaluated: 2024-07-24. Review status: criteria provided, single submitter. Criteria: Invitae Variant Classification Sherloc (09022015). Collection method: clinical testing. Allele origin: germline.

Laboratory for Molecular Medicine, Mass General Brigham Personalized Medicine
Classification: Likely benign. Last evaluated: 2017-08-23. Review status: criteria provided, single submitter. Criteria: LMM Criteria. Collection method: clinical testing. Allele origin: germline. Observed: 1 variant allele.
Comment: p.Ala13Ala in exon 1 of CLPP: This variant is not expected to have clinical significance because it does not alter an amino acid residue and is not located within the splice consensus sequence. It has been identified in 0/288 East Asian chromosomes by the Exome Aggregation Consortium (ExAC; dbSNP rs779446991).